The following is an entry in ClinVar:

ClinVar aggregate classification (germline): Uncertain significance. Review status: criteria provided, multiple submitters, no conflicts (2 of 4 stars). 3 submissions from 3 submitters: Uncertain significance (2). 1 of the submissions does not count toward it. Last evaluated 2022-02-05.

Conditions:
Diabetes mellitus. Also called: Diabetes mellitus (disease). Identifiers: MedGen C0011849, MONDO:0005015, HP:0000819.
Maturity-onset diabetes of the young type 7 (MODY7). Identifiers: Orphanet 552, MedGen C1864839, MONDO:0012513, OMIM 610508.

Allele frequency attached by ClinVar (database versions not stated): ExAC 0.00004; gnomAD exomes 0.00006 and 0.00018; TOPMed 0.00007; gnomAD 0.00008 and 0.00009; ESP Exome Variant Server 0.00015.
gnomAD v4.1: 266 of 1,613,988 alleles (0.016%); highest among the groups gnomAD compares: Non-Finnish European, 0.022%; no homozygotes.

Submissions (3):

Labcorp Genetics (formerly Invitae), Labcorp
Classification: Uncertain significance. Last evaluated: 2022-02-05. Review status: criteria provided, single submitter. Criteria: Invitae Variant Classification Sherloc (09022015). Collection method: clinical testing. Allele origin: germline.
Comment: ClinVar contains an entry for this variant (Variation ID: 330636). In summary, the available evidence is currently insufficient to determine the role of this variant in disease. Therefore, it has been classified as a Variant of Uncertain Significance. Algorithms developed to predict the effect of missense changes on protein structure and function (SIFT, PolyPhen-2, Align-GVGD) all suggest that this variant is likely to be tolerated. This missense change has been observed in individual(s) with type 1 diabetes (PMID: 33538814). This variant is present in population databases (rs146486664, gnomAD 0.01%). This sequence change replaces methionine, which is neutral and non-polar, with isoleucine, which is neutral and non-polar, at codon 359 of the KLF11 protein (p.Met359Ile).

Illumina Laboratory Services, Illumina
Classification: Uncertain significance for Maturity-onset diabetes of the young type 7. Last evaluated: 2018-01-13. Review status: criteria provided, single submitter. Criteria: ICSL Variant Classification Criteria 13 December 2019. Collection method: clinical testing. Allele origin: germline.

Constantin Polychronakos Laboratory, The Research Institute of the McGill University Health Centre
Classification: Uncertain significance for Diabetes mellitus. Review status: no assertion criteria provided. Collection method: research. Allele origin: paternal. Inheritance: Autosomal dominant inheritance. Affected: yes. Not counted in ClinVar's aggregate classification.

Literature cited by the submitters: PubMed 33538814 (cited by Labcorp Genetics (formerly Invitae), Labcorp).

NM_003597.5(KLF11):c.1077G>A (p.Met359Ile)

Gene: KLF11 (KLF transcription factor 11; plus strand). Cytogenetic location: 2p25.1.
Variant type: single nucleotide variant.
Coding change: c.1077G>A on transcript NM_003597.5 (MANE Select); coding-DNA position 1077, G replaced by A.
Protein change: p.Met359Ile; replaces methionine 359 with isoleucine.
Molecular consequence: missense variant.
Genome position (GRCh38, 1-based): chr2:10,048,414, G>A. VCF-style: chr2-10048414-G-A. GRCh37 (hg19) VCF-style: chr2-10188541-G-A.
Other names: c.1026G>A, p.Met342Ile (NM_001177716.2, NM_001177718.2); short protein forms M359I, M342I.
Identifiers: ClinVar variation 330636 (VCV000330636.13), dbSNP rs146486664, ClinGen allele CA1525677.